The following is an entry in ClinVar:

NC_000016.9:g.(?_396128)_(1204056_?)dup

Genes: RAB11FIP3 (RAB11 family interacting protein 3; plus strand), RAB40C (RAB40C, member RAS oncogene family; plus strand), RHBDL1 (rhomboid like 1; plus strand), WFIKKN1 (WAP, follistatin/kazal, immunoglobulin, kunitz and netrin domain containing 1; plus strand), RPUSD1 (RNA pseudouridine synthase domain containing 1; minus strand) and 31 more. Cytogenetic location: 16p13.3.
Variant type: Duplication.
Identifiers: ClinVar variation 3243338 (VCV003243338.1).

ClinVar aggregate classification (germline): Uncertain significance (1 of 4 stars; one submission).

Conditions:
Idiopathic generalized epilepsy. Also called: EIG; Generalised epilepsy. Identifiers: MedGen C0270850, MONDO:0005579, OMIM 600669.
Hyperaldosteronism, familial, type IV (HALD4). Also called: FH IV; ALDOSTERONISM, PRIMARY, AND HYPERTENSION. Identifiers: Orphanet 642671, MedGen C4310756, MONDO:0014875, OMIM 617027.

Submission:

Labcorp Genetics (formerly Invitae), Labcorp
Classification: Uncertain significance for Idiopathic generalized epilepsy; Hyperaldosteronism, familial, type IV. Last evaluated: 2022-10-27. Review status: criteria provided, single submitter. Criteria: Invitae Variant Classification Sherloc (09022015). Collection method: clinical testing. Allele origin: unknown.
Comment: In summary, the available evidence is currently insufficient to determine the role of this variant in disease. Therefore, it has been classified as a Variant of Uncertain Significance. This variant has not been reported in the literature in individuals affected with CACNA1H-related conditions. This variant results in a copy number gain of the genomic region encompassing exon(s) 1-2 of the CACNA1H gene. This region includes the initiator codon of the gene. This copy number gain extends beyond the assayed region for this gene and therefore may encompass additional genes. As the precise location of this event is unknown, it may be in tandem or it may be located elsewhere in the genome.